The following is an entry in ClinVar:

ClinVar aggregate classification (germline): Pathogenic. Review status: criteria provided, multiple submitters, no conflicts (2 of 4 stars). 2 submissions from 2 submitters: Pathogenic (2). Last evaluated 2024-03-10.

Allele frequency attached by ClinVar (database versions not stated): gnomAD 0.00001.
gnomAD v4.1: 1 of 1,614,032 alleles (0.000062%); highest among the groups gnomAD compares: African/African-American, 0.0013%; no homozygotes.

Submissions (2):

GeneDx
Classification: Pathogenic. Last evaluated: 2024-03-10. Review status: criteria provided, single submitter. Criteria: GeneDx Variant Classification Process June 2021. Collection method: clinical testing. Allele origin: germline. Affected: yes.
Comment: Nonsense variant predicted to result in protein truncation or nonsense mediated decay in a gene for which loss-of-function is a known mechanism of disease; Not observed at significant frequency in large population cohorts (gnomAD); Has not been previously published as pathogenic or benign to our knowledge

Labcorp Genetics (formerly Invitae), Labcorp
Classification: Pathogenic. Last evaluated: 2023-12-18. Review status: criteria provided, single submitter. Criteria: Invitae Variant Classification Sherloc (09022015). Collection method: clinical testing. Allele origin: germline.
Comment: This sequence change creates a premature translational stop signal (p.Ser139*) in the NSUN2 gene. It is expected to result in an absent or disrupted protein product. Loss-of-function variants in NSUN2 are known to be pathogenic (PMID: 22541559, 22577224). This variant is present in population databases (no rsID available, gnomAD 0.01%). This variant has not been reported in the literature in individuals affected with NSUN2-related conditions. Algorithms developed to predict the effect of sequence changes on RNA splicing suggest that this variant may disrupt the consensus splice site. For these reasons, this variant has been classified as Pathogenic.

Literature cited by the submitters: PubMed 22541559 (cited by Labcorp Genetics (formerly Invitae), Labcorp); PubMed 22577224 (cited by Labcorp Genetics (formerly Invitae), Labcorp).

NM_017755.6(NSUN2):c.416C>A (p.Ser139Ter)

Gene: NSUN2 (NOP2/Sun RNA methyltransferase 2; minus strand). Cytogenetic location: 5p15.31.
Variant type: single nucleotide variant.
Coding change: c.416C>A on transcript NM_017755.6 (MANE Select); coding-DNA position 416, C replaced by A.
Protein change: p.Ser139Ter; replaces serine 139 with a stop codon.
Molecular consequence: nonsense. On other transcripts: non-coding transcript variant (1).
Genome position (GRCh38, 1-based): chr5:6,625,613, G>T on the plus strand (C>A on the coding strand, the complement: NSUN2 is on the minus strand). VCF-style: chr5-6625613-G-T. GRCh37 (hg19) VCF-style: chr5-6625726-G-T.
Other names: c.311C>A, p.Ser104Ter (NM_001193455.2); c.416C>A (NM_017755.5); short protein forms S139*, S104*.
Identifiers: ClinVar variation 2784085 (VCV002784085.4), dbSNP rs750141088, ClinGen allele CA113744698.